The following is an entry in ClinVar:

ClinVar aggregate classification (germline): Uncertain significance (1 of 4 stars; one submission).

Conditions:
Inborn genetic diseases. Identifiers: MedGen C0950123, MeSH D030342.

gnomAD v4.1: 3 of 1,567,286 alleles (0.00019%); highest among the groups gnomAD compares: African/African-American, 0.0014%; no homozygotes.

Submission:

Ambry Genetics
Classification: Uncertain significance for Inborn genetic diseases. Last evaluated: 2024-11-21. Review status: criteria provided, single submitter. Criteria: Ambry Variant Classification Scheme 2023. Collection method: clinical testing. Allele origin: germline.
Comment: The p.I252T variant (also known as c.755T>C), located in coding exon 3 of the FANCM gene, results from a T to C substitution at nucleotide position 755. The isoleucine at codon 252 is replaced by threonine, an amino acid with similar properties. This amino acid position is conserved. In addition, this alteration is predicted to be tolerated by in silico analysis. Based on the available evidence, the clinical significance of this variant remains unclear.

NM_020937.4(FANCM):c.755T>C (p.Ile252Thr)

Gene: FANCM (FA complementation group M; plus strand). Cytogenetic location: 14q21.2.
Variant type: single nucleotide variant.
Coding change: c.755T>C on transcript NM_020937.4 (MANE Select); coding-DNA position 755, T replaced by C.
Protein change: p.Ile252Thr; replaces isoleucine 252 with threonine.
Molecular consequence: missense variant. On other transcripts: intron variant (1).
Genome position (GRCh38, 1-based): chr14:45,140,705, T>C. VCF-style: chr14-45140705-T-C. GRCh37 (hg19) VCF-style: chr14-45609908-T-C.
Other names: c.755T>C, p.Ile252Thr (NM_001308134.2); c.681+3464T>C (NM_001308133.2); short protein forms I252T.
Identifiers: ClinVar variation 3512904 (VCV003512904.1).